The following is an entry in ClinVar:

NM_013450.4(BAZ2B):c.2195-5del

Gene: BAZ2B (bromodomain adjacent to zinc finger domain 2B; minus strand). Cytogenetic location: 2q24.2.
Variant type: Deletion.
Coding change: c.2195-5del on transcript NM_013450.4 (MANE Select); 5 bases into the intron before coding-DNA position 2195, one base deleted (T; older notation c.2195-5delT).
Molecular consequence: intron variant.
Genome position (GRCh38, 1-based): chr2:159,429,265, A deleted on the plus strand (T on the coding strand, the reverse complement: BAZ2B is on the minus strand); the first of 7 consecutive A bases (chr2:159,429,265-159,429,271); deleting any one gives the same sequence. VCF-style (leftmost placement, unchanged base first): chr2-159429264-TA-T. GRCh37 (hg19) VCF-style: chr2-160285775-TA-T.
Other names: c.2189-5del (NM_001289975.1); c.2006-5del (NM_001329857.2); c.2195-5del (NM_001329858.2); c.2189-5delT (NM_001289975.1).
Identifiers: ClinVar variation 3044002 (VCV003044002.2), dbSNP rs757910953, ClinGen allele CA1924740.
Genomic context (GRCh38, chr2:159,429,264, plus strand): 5'-ATTCCAATGGAATACGCAGTTCACGTTCATCTGTTACTCTTCTTCTTTTGGAAGTGCCTT[TA>T]AAAAAATTCAATTGGTTAATATAAAACATTCATTAATATAAATAATAATATTGATAGTTT-3'

ClinVar aggregate classification (germline): Likely benign (0 of 4 stars; one submission).

Conditions:
BAZ2B-related disorder. Also called: BAZ2B-related condition.

Submission:

PreventionGenetics, part of Exact Sciences
Classification: Likely benign for BAZ2B-related condition. Last evaluated: 2019-06-06. Review status: no assertion criteria provided. Collection method: clinical testing. Allele origin: germline.
Comment: This variant is classified as likely benign based on ACMG/AMP sequence variant interpretation guidelines (Richards et al. 2015 PMID: 25741868, with internal and published modifications).